The following is an entry in ClinVar:

ClinVar aggregate classification (germline): Uncertain significance. Review status: criteria provided, multiple submitters, no conflicts (2 of 4 stars). 2 submissions from 2 submitters: Uncertain significance (2). Last evaluated 2023-03-24.

Allele frequency attached by ClinVar (database versions not stated): gnomAD 0.00004; gnomAD exomes 0.00006; ESP Exome Variant Server 0.00008; ExAC 0.00009; TOPMed 0.00012.
gnomAD v4.1: 38 of 1,580,134 alleles (0.0024%); highest among the groups gnomAD compares: Admixed American, 0.059%; no homozygotes.

Submissions (2):

Ambry Genetics
Classification: Uncertain significance. Last evaluated: 2023-03-24. Review status: criteria provided, single submitter. Criteria: Ambry Variant Classification Scheme 2023. Collection method: clinical testing. Allele origin: germline.

Labcorp Genetics (formerly Invitae), Labcorp
Classification: Uncertain significance. Last evaluated: 2022-12-31. Review status: criteria provided, single submitter. Criteria: Invitae Variant Classification Sherloc (09022015). Collection method: clinical testing. Allele origin: germline.
Comment: In summary, the available evidence is currently insufficient to determine the role of this variant in disease. Therefore, it has been classified as a Variant of Uncertain Significance. Advanced modeling of protein sequence and biophysical properties (such as structural, functional, and spatial information, amino acid conservation, physicochemical variation, residue mobility, and thermodynamic stability) performed at Invitae indicates that this missense variant is expected to disrupt IL17RD protein function. This variant has not been reported in the literature in individuals affected with IL17RD-related conditions. This variant is present in population databases (rs372919399, gnomAD 0.08%), and has an allele count higher than expected for a pathogenic variant. This sequence change replaces threonine, which is neutral and polar, with serine, which is neutral and polar, at codon 315 of the IL17RD protein (p.Thr315Ser).

NM_017563.5(IL17RD):c.943A>T (p.Thr315Ser)

Gene: IL17RD (interleukin 17 receptor D; minus strand). Cytogenetic location: 3p14.3.
Variant type: single nucleotide variant.
Coding change: c.943A>T on transcript NM_017563.5 (MANE Select); coding-DNA position 943, A replaced by T.
Protein change: p.Thr315Ser; replaces threonine 315 with serine.
Molecular consequence: missense variant.
Genome position (GRCh38, 1-based): chr3:57,102,515, T>A on the plus strand (A>T on the coding strand, the complement: IL17RD is on the minus strand). VCF-style: chr3-57102515-T-A. GRCh37 (hg19) VCF-style: chr3-57136543-T-A.
Other names: c.943A>T, p.Thr315Ser (NM_001080973.1); c.511A>T, p.Thr171Ser (NM_001318864.2); short protein forms T171S, T315S.
Identifiers: ClinVar variation 2515110 (VCV002515110.5), dbSNP rs372919399, ClinGen allele CA2462868.
Genomic context (GRCh38, chr3:57,102,515, plus strand): 5'-GAGACACAGCACACAAAGAGATACCTTGTTGCTTCTTGCGGCACATCACAGTGAAGAGCG[T>A]CGCGAATGCCGATATGACTACCAGTGGCACTGTGATGGCCACGGCTCTGATGGGCCCGGC-3'
Protein context (NP_060033.3, residues 305-325): VPLVVISAFA[Thr315Ser]LFTVMCRKKQ